The following is an entry in ClinVar:

ClinVar aggregate classification (germline): Likely pathogenic (1 of 4 stars; one submission).

Submission:

GeneDx
Classification: Likely pathogenic. Last evaluated: 2017-05-30. Review status: criteria provided, single submitter. Criteria: GeneDx Variant Classification (06012015). Collection method: clinical testing. Allele origin: germline. Affected: yes.
Comment: The c.52delC variant in the CYP11B1 gene has not been reported previously as a pathogenic variant nor as a benign variant, to our knowledge. The c.52delC variant causes a frameshift starting with codon Leucine 18, changes this amino acid to a Cysteine residue, and creates a premature Stop codon at position 33 of the new reading frame, denoted p.Leu18CysfsX33. This variant is predicted to cause loss of normal protein function either through protein truncation or nonsense-mediated mRNA decay. The c.52delC variant is not observed in large population cohorts (Lek et al., 2016; 1000 Genomes Consortium et al., 2015; Exome Variant Server). We interpret c.52delC as a likely pathogenic variant.

NM_000497.4(CYP11B1):c.52del (p.Leu18fs)

Genes: CYP11B1 (cytochrome P450 family 11 subfamily B member 1; minus strand), LOC110673972 (CYP11B1 promoter; plus strand). Cytogenetic location: 8q24.3.
Variant type: Deletion.
Coding change: c.52del on transcript NM_000497.4 (MANE Select); coding-DNA position 52, one base deleted (C; older notation c.52delC).
Protein change: p.Leu18fs; shifts the reading frame from leucine 18.
Molecular consequence: frameshift variant.
Genome position (GRCh38, 1-based): chr8:142,879,762, G deleted on the plus strand (C on the coding strand, the reverse complement: CYP11B1 is on the minus strand); the first of 3 consecutive G bases (chr8:142,879,762-142,879,764); deleting any one gives the same sequence. VCF-style (leftmost placement, unchanged base first): chr8-142879761-AG-A. GRCh37 (hg19) VCF-style: chr8-143961177-AG-A.
Other names: c.52delC (NM_000497.3); c.52del, p.Leu18fs (NM_001026213.1); short protein forms L18fs.
Identifiers: ClinVar variation 430492 (VCV000430492.2), dbSNP rs1131691992, ClinGen allele CA645369442.